The following is an entry in ClinVar:

ClinVar aggregate classification (germline): Conflicting classifications of pathogenicity. Review status: criteria provided, conflicting classifications (1 of 4 stars). 3 submissions from 3 submitters: Likely pathogenic (2); Uncertain significance (1). Last evaluated 2026-01-19.

Conditions:
Congenital disorder of deglycosylation (CDDG). Identifiers: MedGen C3808991, MONDO:0031376.
Congenital disorder of deglycosylation 1. Also called: NGLY1-deficiency; NGLY1-Related Congenital Disorder of Deglycosylation. Identifiers: Orphanet 404454, MedGen CN306977, MONDO:0800044, OMIM 615273.

gnomAD v4.1: 3 of 1,614,008 alleles (0.00019%); highest among the groups gnomAD compares: Non-Finnish European, 0.00025%; no homozygotes.

Submissions (3):

3billion
Classification: Uncertain significance for Congenital disorder of deglycosylation 1. Last evaluated: 2026-01-19. Review status: criteria provided, single submitter. Criteria: ACMG Guidelines, 2015. Collection method: clinical testing. Allele origin: germline. Affected: yes.
Comment: The variant is observed at an extremely low frequency in the gnomAD v4.1.0 dataset (total allele frequency: <0.001%). Predicted Consequence/Location: Missense variant In silico tool predictions suggest damaging effect of the variant on gene or gene product [REVEL: 0.91 (>=0.6, sensitivity 0.68 and specificity 0.92); 3Cnet: 0.92 (> 0.75, sensitivity 0.96 and precision 0.92)]. The same nucleotide change resulting in the same amino acid change has been previously reported to be associated with NGLY1-related disorder (ClinVar ID: VCV003769564 /PMID: 27388694). However, the evidence of pathogenicity is insufficient at this time. Therefore, this variant is classified as VUS according to the recommendation of ACMG/AMP guideline.

Labcorp Genetics (formerly Invitae), Labcorp
Classification: Likely pathogenic for Congenital disorder of deglycosylation. Last evaluated: 2025-12-03. Review status: criteria provided, single submitter. Criteria: Invitae Variant Classification Sherloc (09022015). Collection method: clinical testing. Allele origin: germline.
Comment: This sequence change replaces leucine, which is neutral and non-polar, with proline, which is neutral and non-polar, at codon 318 of the NGLY1 protein (p.Leu318Pro). This variant is not present in population databases (gnomAD no frequency). This missense change has been observed in individuals with congenital disorder of glycosylation type 1V (PMID: 27388694, 28252636). ClinVar contains an entry for this variant (Variation ID: 3769564). Invitae Evidence Modeling of protein sequence and biophysical properties (such as structural, functional, and spatial information, amino acid conservation, physicochemical variation, residue mobility, and thermodynamic stability) indicates that this missense variant is expected to disrupt NGLY1 protein function with a positive predictive value of 80%. Experimental studies have shown that this missense change affects NGLY1 function (PMID: 28252636, 34939090). In summary, the currently available evidence indicates that the variant is pathogenic, but additional data are needed to prove that conclusively. Therefore, this variant has been classified as Likely Pathogenic.

Women's Health and Genetics/Laboratory Corporation of America, LabCorp
Classification: Likely pathogenic for Congenital disorder of deglycosylation. Last evaluated: 2025-01-16. Review status: criteria provided, single submitter. Criteria: LabCorp Variant Classification Summary - May 2015. Collection method: clinical testing. Allele origin: germline.
Comment: Variant summary: NGLY1 c.953T>C (p.Leu318Pro) results in a non-conservative amino acid change located in the Transglutaminase/protease-like homologues domain (IPR002931) of the encoded protein sequence. Five of five in-silico tools predict a damaging effect of the variant on protein function. The variant was absent in 251164 control chromosomes (gnomAD). c.953T>C has been reported in the literature in at least an individual affected with clinical features of congenital disorder of deglycosylation (examples: Lam_GM_2017, Baldridge_GM_2017). In vitro functional assay shows an absence of activity for this variant (Hirayama_2022). The following publications have been ascertained in the context of this evaluation (PMID: 27388694, 34939090, 28252636, 36875753). No submitters have cited clinical-significance assessments for this variant to ClinVar. Based on the evidence outlined above, the variant was classified as likely pathogenic.

Literature cited by the submitters: PubMed 27388694 (cited by 3 submitters); PubMed 28252636 (cited by Labcorp Genetics (formerly Invitae), Labcorp and Women's Health and Genetics/Laboratory Corporation of America, LabCorp); PubMed 34939090 (cited by Labcorp Genetics (formerly Invitae), Labcorp and Women's Health and Genetics/Laboratory Corporation of America, LabCorp); PubMed 36875753 (cited by Women's Health and Genetics/Laboratory Corporation of America, LabCorp).

NM_018297.4(NGLY1):c.953T>C (p.Leu318Pro)

Gene: NGLY1 (N-glycanase 1; minus strand). Cytogenetic location: 3p24.2.
Variant type: single nucleotide variant.
Coding change: c.953T>C on transcript NM_018297.4 (MANE Select); coding-DNA position 953, T replaced by C.
Protein change: p.Leu318Pro; replaces leucine 318 with proline.
Molecular consequence: missense variant.
Genome position (GRCh38, 1-based): chr3:25,737,384, A>G on the plus strand (T>C on the coding strand, the complement: NGLY1 is on the minus strand). VCF-style: chr3-25737384-A-G. GRCh37 (hg19) VCF-style: chr3-25778875-A-G.
Other names: c.953T>C, p.Leu318Pro (NM_001145293.2, NM_001145295.2); c.827T>C, p.Leu276Pro (NM_001145294.2); short protein forms L276P, L318P.
Identifiers: ClinVar variation 3769564 (VCV003769564.4).